The following is an entry in ClinVar:

ClinVar aggregate classification (germline): Uncertain significance (1 of 4 stars; one submission).

Conditions:
Familial cancer of breast. Also called: hereditary breast carcinoma; Hereditary breast cancer; BREAST CANCER, FAMILIAL. Identifiers: Orphanet 227535, MedGen C0346153, MONDO:0016419, OMIM 114480. Disease mechanism: loss of function.

gnomAD v4.1: 1 of 1,614,252 alleles (0.000062%); highest among the groups gnomAD compares: Non-Finnish European, 0.000085%; no homozygotes.

Submission:

Labcorp Genetics (formerly Invitae), Labcorp
Classification: Uncertain significance for Familial cancer of breast. Last evaluated: 2024-02-22. Review status: criteria provided, single submitter. Criteria: Invitae Variant Classification Sherloc (09022015). Collection method: clinical testing. Allele origin: germline.
Comment: This sequence change replaces phenylalanine, which is neutral and non-polar, with tyrosine, which is neutral and polar, at codon 818 of the PALB2 protein (p.Phe818Tyr). This variant is not present in population databases (gnomAD no frequency). This variant has not been reported in the literature in individuals affected with PALB2-related conditions. Advanced modeling of protein sequence and biophysical properties (such as structural, functional, and spatial information, amino acid conservation, physicochemical variation, residue mobility, and thermodynamic stability) performed at Invitae indicates that this missense variant is not expected to disrupt PALB2 protein function with a negative predictive value of 80%. In summary, the available evidence is currently insufficient to determine the role of this variant in disease. Therefore, it has been classified as a Variant of Uncertain Significance.

NM_024675.4(PALB2):c.2453T>A (p.Phe818Tyr)

Gene: PALB2 (partner and localizer of BRCA2; minus strand). Cytogenetic location: 16p12.2.
Variant type: single nucleotide variant.
Coding change: c.2453T>A on transcript NM_024675.4 (MANE Select); coding-DNA position 2453, T replaced by A.
Protein change: p.Phe818Tyr; replaces phenylalanine 818 with tyrosine.
Molecular consequence: missense variant. On other transcripts: intron variant (1).
Genome position (GRCh38, 1-based): chr16:23,629,701, A>T on the plus strand (T>A on the coding strand, the complement: PALB2 is on the minus strand). VCF-style: chr16-23629701-A-T. GRCh37 (hg19) VCF-style: chr16-23641022-A-T.
Other names: c.2393T>A, p.Phe798Tyr (NM_001407296.1); c.2453T>A, p.Phe818Tyr (NM_001407297.1, NM_001407298.1, NM_001407299.1 and 3 more transcripts); c.1568T>A, p.Phe523Tyr (NM_001407304.1, NM_001407305.1, NM_001407306.1 and 5 more transcripts); c.665T>A, p.Phe222Tyr (NM_001407312.1, NM_001407313.1); c.49-426T>A (NM_001407314.1); short protein forms F818Y, F222Y, F798Y, F523Y.
Identifiers: ClinVar variation 3642694 (VCV003642694.2).